The following is an entry in ClinVar:

NM_006231.4(POLE):c.3411G>A (p.Leu1137=)

Gene: POLE (DNA polymerase epsilon, catalytic subunit; minus strand). Cytogenetic location: 12q24.33.
Variant type: single nucleotide variant.
Coding change: c.3411G>A on transcript NM_006231.4 (MANE Select); coding-DNA position 3411, G replaced by A.
Protein change: p.Leu1137=; no amino-acid change (leucine 1137 retained).
Molecular consequence: synonymous variant.
Genome position (GRCh38, 1-based): chr12:132,657,397, C>T on the plus strand (G>A on the coding strand, the complement: POLE is on the minus strand). VCF-style: chr12-132657397-C-T. GRCh37 (hg19) VCF-style: chr12-133233983-C-T.
Identifiers: ClinVar variation 381835 (VCV000381835.38), dbSNP rs368920055, ClinGen allele CA6893241.

ClinVar aggregate classification (germline): Likely benign. Review status: criteria provided, multiple submitters, no conflicts (2 of 4 stars). 10 submissions from 10 submitters: Likely benign (7). 3 of the submissions do not count toward it. Last evaluated 2026-01-12.

Conditions:
Hereditary cancer-predisposing syndrome. Also called: Neoplastic Syndromes, Hereditary; Hereditary neoplastic syndrome; Tumor predisposition; Hereditary Cancer Syndrome. Identifiers: Orphanet 140162, MedGen C0027672, MeSH D009386, MONDO:0015356.
POLE-related disorder. Also called: POLE-related condition; POLE-related disorders.

Allele frequency attached by ClinVar (database versions not stated): gnomAD exomes 0.00001 and 0.00002; ExAC 0.00002; ESP Exome Variant Server 0.00008; gnomAD 0.00009 and 0.00011; TOPMed 0.00015; 1000 Genomes Project 30x 0.00016; 1000 Genomes Project 0.00020.
gnomAD v4.1: 33 of 1,614,118 alleles (0.002%); highest among the groups gnomAD compares: African/African-American, 0.028%; no homozygotes.

Submissions (10):

Labcorp Genetics (formerly Invitae), Labcorp
Classification: Likely benign. Last evaluated: 2026-01-12. Review status: criteria provided, single submitter. Criteria: Invitae Variant Classification Sherloc (09022015). Collection method: clinical testing. Allele origin: germline.

CeGaT Center for Human Genetics Tuebingen
Classification: Likely benign. Last evaluated: 2024-12-01. Review status: criteria provided, single submitter. Criteria: CeGaT Center For Human Genetics Tuebingen Variant Classification Criteria Version 2. Collection method: clinical testing. Allele origin: germline. Affected: yes. Observed: 1 variant allele.
Comment: POLE: BP4, BP7

Blueprint Genetics
Classification: Likely benign. Last evaluated: 2022-02-04. Review status: criteria provided, single submitter. Criteria: ACMG Guidelines, 2015. Collection method: clinical testing. Allele origin: germline.

Sema4
Classification: Likely benign for Hereditary cancer-predisposing syndrome. Last evaluated: 2021-04-14. Review status: criteria provided, single submitter. Criteria: Sema4 Curation Guidelines. Collection method: curation. Allele origin: germline.

GeneDx
Classification: Likely benign. Last evaluated: 2021-03-29. Review status: criteria provided, single submitter. Criteria: GeneDx Variant Classification Process June 2021. Collection method: clinical testing. Allele origin: germline. Affected: yes.

Quest Diagnostics Nichols Institute San Juan Capistrano
Classification: Likely benign. Last evaluated: 2017-08-02. Review status: criteria provided, single submitter. Criteria: Quest Diagnostics criteria. Collection method: clinical testing. Allele origin: germline.

Ambry Genetics
Classification: Likely benign for Hereditary cancer-predisposing syndrome. Last evaluated: 2015-11-25. Review status: criteria provided, single submitter. Criteria: Ambry Variant Classification Scheme 2023. Collection method: clinical testing. Allele origin: germline.

PreventionGenetics, part of Exact Sciences
Classification: Likely benign for POLE-related condition. Last evaluated: 2022-08-05. Review status: no assertion criteria provided. Collection method: clinical testing. Allele origin: germline. Not counted in ClinVar's aggregate classification.
Comment: This variant is classified as likely benign based on ACMG/AMP sequence variant interpretation guidelines (Richards et al. 2015 PMID: 25741868, with internal and published modifications).

Clinical Genetics DNA and cytogenetics Diagnostics Lab, Erasmus MC, Erasmus Medical Center
Classification: Likely benign. Review status: no assertion criteria provided. Collection method: clinical testing. Allele origin: germline. Affected: yes. Study: VKGL Data-share Consensus. Not counted in ClinVar's aggregate classification.

Clinical Genetics, Academic Medical Center
Classification: Likely benign. Review status: no assertion criteria provided. Collection method: clinical testing. Allele origin: germline. Affected: yes. Study: VKGL Data-share Consensus. Not counted in ClinVar's aggregate classification.